The following is an entry in ClinVar:

ClinVar aggregate classification (germline): Uncertain significance (1 of 4 stars; one submission).

Submission:

GeneDx
Classification: Uncertain significance. Last evaluated: 2026-10-08. Review status: criteria provided, single submitter. Criteria: GeneDx Variant Classification Process June 2021. Collection method: clinical testing. Allele origin: germline.
Comment: Not observed at significant frequency in large population cohorts (gnomAD); In silico analysis supports that this missense variant has a deleterious effect on protein structure/function; Has not been previously published as pathogenic or benign to our knowledge

NM_001378452.1(ITPR1):c.890G>A (p.Gly297Glu)

Gene: ITPR1 (inositol 1,4,5-trisphosphate receptor type 1; plus strand). Cytogenetic location: 3p26.1.
Variant type: single nucleotide variant.
Coding change: c.890G>A on transcript NM_001378452.1 (MANE Select); coding-DNA position 890, G replaced by A.
Protein change: p.Gly297Glu; replaces glycine 297 with glutamic acid.
Molecular consequence: missense variant.
Genome position (GRCh38, 1-based): chr3:4,652,157, G>A. VCF-style: chr3-4652157-G-A. GRCh37 (hg19) VCF-style: chr3-4693841-G-A.
Other names: c.890G>A, p.Gly297Glu (NM_002222.7, NM_001099952.4, NM_001168272.2); short protein forms G297E.
Identifiers: ClinVar variation 5008715 (VCV005008715.2).